The following is an entry in ClinVar:

ClinVar aggregate classification (germline): Uncertain significance (1 of 4 stars; one submission).

Conditions:
Intellectual developmental disorder 62. Also called: MENTAL RETARDATION, AUTOSOMAL DOMINANT 62; INTELLECTUAL DEVELOPMENTAL DISORDER, AUTOSOMAL DOMINANT 62. Identifiers: MedGen C5394083, MONDO:0032919, OMIM 618793.

Submission:

3billion
Classification: Uncertain significance for Intellectual developmental disorder 62. Last evaluated: 2025-02-21. Review status: criteria provided, single submitter. Criteria: ACMG Guidelines, 2015. Collection method: clinical testing. Allele origin: germline. Affected: yes.
Comment: The variant is not observed in the gnomAD v4.1.0 dataset. Predicted Consequence/Location: Missense variant In silico tool predictions suggest damaging effect of the variant on gene or gene product [3Cnet: 1.00 (>=0.6, sensitivity 0.72 and precision 0.9)]. Therefore, this variant is classified as VUS according to the recommendation of ACMG/AMP guideline.

NM_001321075.3(DLG4):c.1124C>T (p.Ala375Val)

Genes: DLG4 (discs large MAGUK scaffold protein 4; minus strand), LOC126862479 (MED14-independent group 3 enhancer GRCh37_chr17:7099412-7100611; plus strand). Cytogenetic location: 17p13.1.
Variant type: single nucleotide variant.
Coding change: c.1124C>T on transcript NM_001321075.3 (MANE Select); coding-DNA position 1124, C replaced by T.
Protein change: p.Ala375Val; replaces alanine 375 with valine.
Molecular consequence: missense variant. On other transcripts: non-coding transcript variant (1).
Genome position (GRCh38, 1-based): chr17:7,196,535, G>A on the plus strand (C>T on the coding strand, the complement: DLG4 is on the minus strand). VCF-style: chr17-7196535-G-A. GRCh37 (hg19) VCF-style: chr17-7099854-G-A.
Other names: c.1115C>T, p.Ala372Val (NM_001128827.4); c.1244C>T, p.Ala415Val (NM_001321074.1); c.944C>T, p.Ala315Val (NM_001321076.3, NM_001321077.3); c.1253C>T, p.Ala418Val (NM_001365.5); c.1043C>T, p.Ala348Val (NM_001369566.3); short protein forms A315V, A348V, A372V, A375V, A415V, A418V.
Identifiers: ClinVar variation 4293195 (VCV004293195.1).